The following is an entry in ClinVar:

ClinVar aggregate classification (germline): Likely pathogenic (1 of 4 stars; one submission).

Conditions:
Autosomal recessive polycystic kidney disease (ARPKD). Also called: AR polycystic kidney disease. Identifiers: Orphanet 731, Orphanet 8378, MedGen C0085548, MeSH D017044, MONDO:0009889.

Submission:

Natera, Inc.
Classification: Likely pathogenic for Autosomal recessive polycystic kidney disease. Last evaluated: 2024-07-12. Review status: criteria provided, single submitter. Criteria: Natera Variant Classification Schema (03/2026). Collection method: clinical testing. Allele origin: germline.
Comment: The c.2715+2delT variant in PKHD1 is a canonical splice donor site variant predicted to affect pre-mRNA splicing, which may result in an abnormal transcript and altered protein product. This variant is expected to result in nonsense mediated decay, truncation, or a dysfunctional protein product. This variant is rare in the general population with a frequency below the threshold expected for the associated phenotype(s). Given the available evidence, this variant is classified as Likely Pathogenic.

NM_138694.4(PKHD1):c.2715+2del

Gene: PKHD1 (PKHD1 ciliary IPT domain containing fibrocystin/polyductin; minus strand). Cytogenetic location: 6p12.2.
Variant type: Deletion.
Coding change: c.2715+2del on transcript NM_138694.4 (MANE Select); the canonical splice donor site of the intron after coding-DNA position 2715, one base deleted (T; older notation c.2715+2delT).
Molecular consequence: splice donor variant.
Genome position (GRCh38, 1-based): chr6:52,044,964, A deleted on the plus strand (T on the coding strand, the reverse complement: PKHD1 is on the minus strand). VCF-style (leftmost placement, unchanged base first): chr6-52044963-CA-C. GRCh37 (hg19) VCF-style: chr6-51909761-CA-C.
Other names: c.2715+2del (NM_170724.3).
Identifiers: ClinVar variation 4816617 (VCV004816617.1).
Genomic context (GRCh38, chr6:52,044,963, plus strand): 5'-CAGTGAGGAGTGAGTTAGACTTGAAACTGGAGCTTGCACTTAGGGTGGCCCATTCACTCT[CA>C]CCTGAGTATGCTGGTTGGCAGTAGCCAACATGTCTCCAAATATGGGTCCAAGAAAAACTC-3'